The following is an entry in ClinVar:

NM_000283.4(PDE6B):c.262C>T (p.Gln88Ter)

Gene: PDE6B (phosphodiesterase 6B; plus strand). Cytogenetic location: 4p16.3.
Variant type: single nucleotide variant.
Coding change: c.262C>T on transcript NM_000283.4 (MANE Select); coding-DNA position 262, C replaced by T.
Protein change: p.Gln88Ter; replaces glutamine 88 with a stop codon.
Molecular consequence: nonsense.
Genome position (GRCh38, 1-based): chr4:625,888, C>T. VCF-style: chr4-625888-C-T. GRCh37 (hg19) VCF-style: chr4-619677-C-T.
Other names: c.262C>T, p.Gln88Ter (NM_001145291.2); short protein forms Q88*.
Identifiers: ClinVar variation 1358080 (VCV001358080.7), dbSNP rs970768801, ClinGen allele CA91052133.

ClinVar aggregate classification (germline): Pathogenic. Review status: criteria provided, multiple submitters, no conflicts (2 of 4 stars). 2 submissions from 2 submitters: Pathogenic (2). Last evaluated 2022-09-08.

Conditions:
Retinitis pigmentosa 40 (RP40). Identifiers: Orphanet 791, MedGen C3151107, MONDO:0013429, OMIM 613801.
Congenital stationary night blindness autosomal dominant 2. Also called: NIGHT BLINDNESS, CONGENITAL STATIONARY, RAMBUSCH TYPE. Identifiers: Orphanet 215, MedGen C1876182, MONDO:0008099, OMIM 163500.

Allele frequency attached by ClinVar (database versions not stated): gnomAD exomes below 0.00001 and 0.00001; TOPMed below 0.00001; gnomAD 0.00001.

Submissions (2):

Labcorp Genetics (formerly Invitae), Labcorp
Classification: Pathogenic. Last evaluated: 2022-09-08. Review status: criteria provided, single submitter. Criteria: Invitae Variant Classification Sherloc (09022015). Collection method: clinical testing. Allele origin: germline.
Comment: This sequence change creates a premature translational stop signal (p.Gln88*) in the PDE6B gene. It is expected to result in an absent or disrupted protein product. Loss-of-function variants in PDE6B are known to be pathogenic (PMID: 8394174, 8595886, 22334370). This variant is present in population databases (no rsID available, gnomAD 0.02%). This premature translational stop signal has been observed in individual(s) with autosomal recessive retinitis pigmentosa (PMID: 33691693). ClinVar contains an entry for this variant (Variation ID: 1358080). For these reasons, this variant has been classified as Pathogenic.

Fulgent Genetics
Classification: Pathogenic for Congenital stationary night blindness autosomal dominant 2; Retinitis pigmentosa 40. Last evaluated: 2022-05-11. Review status: criteria provided, single submitter. Criteria: ACMG Guidelines, 2015. Collection method: clinical testing. Allele origin: unknown.

Literature cited by the submitters: PubMed 8394174 (cited by Labcorp Genetics (formerly Invitae), Labcorp); PubMed 8595886 (cited by Labcorp Genetics (formerly Invitae), Labcorp); PubMed 22334370 (cited by Labcorp Genetics (formerly Invitae), Labcorp); PubMed 33691693 (cited by Labcorp Genetics (formerly Invitae), Labcorp).